The following is an entry in ClinVar:

ClinVar aggregate classification (germline): Conflicting classifications of pathogenicity. Review status: criteria provided, conflicting classifications (1 of 4 stars). 3 submissions from 3 submitters: Likely pathogenic (1); Uncertain significance (2). Last evaluated 2021-09-28.

Conditions:
Progressive familial intrahepatic cholestasis type 1. Also called: Severe ATP8B1 Deficiency (Progressive Familial Intrahepatic Cholestasis Type 1 [PFIC1]); BYLER DISEASE; Byler's disease. Identifiers: Orphanet 79306, MedGen C4551898, MONDO:0008892, OMIM 211600.

Allele frequency attached by ClinVar (database versions not stated): gnomAD 0.00003 and 0.00004; TOPMed 0.00003; ESP Exome Variant Server 0.00008.
gnomAD v4.1: 8 of 1,611,212 alleles (0.0005%); highest among the groups gnomAD compares: African/African-American, 0.0094%; no homozygotes.

Submissions (3):

Women's Health and Genetics/Laboratory Corporation of America, LabCorp
Classification: Uncertain significance. Last evaluated: 2021-09-28. Review status: criteria provided, single submitter. Criteria: LabCorp Variant Classification Summary - May 2015. Collection method: clinical testing. Allele origin: germline.
Comment: Variant summary: ABCB4 c.2217T>G (p.Phe739Leu) results in a non-conservative amino acid change in the encoded protein sequence. Three of five in-silico tools predict a benign effect of the variant on protein function. The variant allele was found at a frequency of 1.6e-05 in 249602 control chromosomes. The available data on variant occurrences in the general population are insufficient to allow any conclusion about variant significance. To our knowledge, no occurrence of c.2217T>G in individuals affected with Familial Intrahepatic Cholestasis and no experimental evidence demonstrating its impact on protein function have been reported. Two clinical diagnostic laboratories have submitted clinical-significance assessments for this variant to ClinVar after 2014 without evidence for independent evaluation. One laboratory classified the variant as likely pathogenic, and one laboratory classified the variant as uncertain significance. Based on the evidence outlined above, the variant was classified as uncertain significance.

Mendelics
Classification: Likely pathogenic for Progressive familial intrahepatic cholestasis type 1. Last evaluated: 2019-05-28. Review status: criteria provided, single submitter. Criteria: Mendelics Assertion Criteria 2017. Collection method: clinical testing. Allele origin: unknown.

Eurofins Ntd Llc (ga)
Classification: Uncertain significance. Last evaluated: 2017-07-10. Review status: criteria provided, single submitter. Criteria: EGL Classification Definitions 2015. Collection method: clinical testing. Allele origin: germline. Observed: 1 variant allele, 1 heterozygote.

NM_000443.4(ABCB4):c.2217T>G (p.Phe739Leu)

Gene: ABCB4 (ATP binding cassette subfamily B member 4; minus strand). Cytogenetic location: 7q21.12.
Variant type: single nucleotide variant.
Coding change: c.2217T>G on transcript NM_000443.4 (MANE Select); coding-DNA position 2217, T replaced by G.
Protein change: p.Phe739Leu; replaces phenylalanine 739 with leucine.
Molecular consequence: missense variant.
Genome position (GRCh38, 1-based): chr7:87,422,220, A>C on the plus strand (T>G on the coding strand, the complement: ABCB4 is on the minus strand). VCF-style: chr7-87422220-A-C. GRCh37 (hg19) VCF-style: chr7-87051536-A-C.
Other names: c.2217T>G, p.Phe739Leu (NM_018849.3, NM_018850.3); short protein forms F739L.
Identifiers: ClinVar variation 593160 (VCV000593160.7), dbSNP rs143456575, ClinGen allele CA4327083.